The following is an entry in ClinVar:

ClinVar aggregate classification (germline): Uncertain significance. Review status: criteria provided, multiple submitters, no conflicts (2 of 4 stars). 2 submissions from 2 submitters: Uncertain significance (2). Last evaluated 2025-10-01.

Conditions:
Inborn genetic diseases. Identifiers: MedGen C0950123, MeSH D030342.

Allele frequency attached by ClinVar (database versions not stated): ExAC 0.00002; TOPMed 0.00002; gnomAD 0.00003; gnomAD exomes 0.00004; 1000 Genomes Project 30x 0.00016; 1000 Genomes Project 0.00020.
gnomAD v4.1: 63 of 1,613,970 alleles (0.0039%); highest among the groups gnomAD compares: Non-Finnish European, 0.0049%; no homozygotes.

Submissions (2):

Labcorp Genetics (formerly Invitae), Labcorp
Classification: Uncertain significance. Last evaluated: 2025-10-01. Review status: criteria provided, single submitter. Criteria: Invitae Variant Classification Sherloc (09022015). Collection method: clinical testing. Allele origin: germline.
Comment: This sequence change replaces proline, which is neutral and non-polar, with leucine, which is neutral and non-polar, at codon 951 of the NRIP1 protein (p.Pro951Leu). This variant is present in population databases (rs549067420, gnomAD 0.004%). This variant has not been reported in the literature in individuals affected with NRIP1-related conditions. ClinVar contains an entry for this variant (Variation ID: 2414973). An algorithm developed to predict the effect of missense changes on protein structure and function (PolyPhen-2) suggests that this variant is likely to be tolerated. In summary, the available evidence is currently insufficient to determine the role of this variant in disease. Therefore, it has been classified as a Variant of Uncertain Significance.

Ambry Genetics
Classification: Uncertain significance for Inborn genetic diseases. Last evaluated: 2023-02-16. Review status: criteria provided, single submitter. Criteria: Ambry Variant Classification Scheme 2023. Collection method: clinical testing. Allele origin: germline.

NM_003489.4(NRIP1):c.2852C>T (p.Pro951Leu)

Gene: NRIP1 (nuclear receptor interacting protein 1; minus strand). Cytogenetic location: 21q11.2.
Variant type: single nucleotide variant.
Coding change: c.2852C>T on transcript NM_003489.4 (MANE Select); coding-DNA position 2852, C replaced by T.
Protein change: p.Pro951Leu; replaces proline 951 with leucine.
Molecular consequence: missense variant.
Genome position (GRCh38, 1-based): chr21:14,965,341, G>A on the plus strand (C>T on the coding strand, the complement: NRIP1 is on the minus strand). VCF-style: chr21-14965341-G-A. GRCh37 (hg19) VCF-style: chr21-16337662-G-A.
Other names: c.2852C>T (NM_003489.3); short protein forms P951L.
Identifiers: ClinVar variation 2414973 (VCV002414973.8), dbSNP rs549067420, ClinGen allele CA9981069.